The following is an entry in ClinVar:

NM_004168.4(SDHA):c.151A>G (p.Ile51Val)

Gene: SDHA (succinate dehydrogenase complex flavoprotein subunit A; plus strand). Cytogenetic location: 5p15.33.
Variant type: single nucleotide variant.
Coding change: c.151A>G on transcript NM_004168.4 (MANE Select); coding-DNA position 151, A replaced by G.
Protein change: p.Ile51Val; replaces isoleucine 51 with valine.
Molecular consequence: missense variant.
Genome position (GRCh38, 1-based): chr5:224,360, A>G. VCF-style: chr5-224360-A-G. GRCh37 (hg19) VCF-style: chr5-224475-A-G.
Other names: c.151A>G, p.Ile51Val (NM_001294332.2, NM_001330758.2); short protein forms I51V.
Identifiers: ClinVar variation 819420 (VCV000819420.4), dbSNP rs1579381384, ClinGen allele CA359008369.

ClinVar aggregate classification (germline): Uncertain significance (1 of 4 stars; one submission).

Conditions:
Hereditary cancer-predisposing syndrome. Also called: Tumor predisposition; Hereditary neoplastic syndrome; Neoplastic Syndromes, Hereditary; Hereditary Cancer Syndrome. Identifiers: Orphanet 140162, MedGen C0027672, MeSH D009386, MONDO:0015356.

Submission:

Ambry Genetics
Classification: Uncertain significance for Hereditary cancer-predisposing syndrome. Last evaluated: 2019-04-22. Review status: criteria provided, single submitter. Criteria: Ambry Variant Classification Scheme 2023. Collection method: clinical testing. Allele origin: germline.
Comment: The p.I51V variant (also known as c.151A>G) is located in coding exon 3 of the SDHA gene. The isoleucine at codon 51 is replaced by valine, an amino acid with highly similar properties. This change occurs in the first base pair of coding exon 3. This amino acid position is highly conserved in available vertebrate species. In addition, this alteration is predicted to be tolerated by in silico analysis. Since supporting evidence is limited at this time, the clinical significance of this alteration remains unclear.